The following is an entry in ClinVar:

ClinVar aggregate classification (germline): Uncertain significance. Review status: criteria provided, multiple submitters, no conflicts (2 of 4 stars). 2 submissions from 2 submitters: Uncertain significance (2). Last evaluated 2023-06-15.

Conditions:
Hereditary cancer-predisposing syndrome. Also called: Hereditary Cancer Syndrome; Tumor predisposition; Hereditary neoplastic syndrome; Neoplastic Syndromes, Hereditary. Identifiers: Orphanet 140162, MedGen C0027672, MeSH D009386, MONDO:0015356.

Allele frequency attached by ClinVar (database versions not stated): gnomAD exomes below 0.00001.
gnomAD v4.1: 1 of 1,614,120 alleles (0.000062%); highest among the groups gnomAD compares: Non-Finnish European, 0.000085%; no homozygotes.

Submissions (2):

Labcorp Genetics (formerly Invitae), Labcorp
Classification: Uncertain significance. Last evaluated: 2023-06-15. Review status: criteria provided, single submitter. Criteria: Invitae Variant Classification Sherloc (09022015). Collection method: clinical testing. Allele origin: germline.
Comment: In summary, the available evidence is currently insufficient to determine the role of this variant in disease. Therefore, it has been classified as a Variant of Uncertain Significance. Advanced modeling of protein sequence and biophysical properties (such as structural, functional, and spatial information, amino acid conservation, physicochemical variation, residue mobility, and thermodynamic stability) performed at Invitae indicates that this missense variant is not expected to disrupt CTNNA1 protein function. ClinVar contains an entry for this variant (Variation ID: 645001). This variant has not been reported in the literature in individuals affected with CTNNA1-related conditions. This variant is not present in population databases (gnomAD no frequency). This sequence change replaces lysine, which is basic and polar, with glutamic acid, which is acidic and polar, at codon 78 of the CTNNA1 protein (p.Lys78Glu).

Ambry Genetics
Classification: Uncertain significance for Hereditary cancer-predisposing syndrome. Last evaluated: 2021-12-16. Review status: criteria provided, single submitter. Criteria: Ambry Variant Classification Scheme 2023. Collection method: clinical testing. Allele origin: germline.
Comment: The p.K78E variant (also known as c.232A>G), located in coding exon 2 of the CTNNA1 gene, results from an A to G substitution at nucleotide position 232. The lysine at codon 78 is replaced by glutamic acid, an amino acid with similar properties. This amino acid position is well conserved in available vertebrate species. In addition, this alteration is predicted to be tolerated by in silico analysis. The evidence for this gene-disease relationship is limited; therefore, the clinical significance of this alteration is unclear.

NM_001903.5(CTNNA1):c.232A>G (p.Lys78Glu)

Gene: CTNNA1 (catenin alpha 1; plus strand). Cytogenetic location: 5q31.2.
Variant type: single nucleotide variant.
Coding change: c.232A>G on transcript NM_001903.5 (MANE Select); coding-DNA position 232, A replaced by G.
Protein change: p.Lys78Glu; replaces lysine 78 with glutamic acid.
Molecular consequence: missense variant. On other transcripts: intron variant (2).
Genome position (GRCh38, 1-based): chr5:138,783,303, A>G. VCF-style: chr5-138783303-A-G. GRCh37 (hg19) VCF-style: chr5-138118992-A-G.
Other names: c.232A>G, p.Lys78Glu (NM_001290307.3, NM_001323982.2, NM_001323983.1 and 3 more transcripts); c.-6+31A>G (NM_001290310.3); c.-9+1274A>G (NM_001290309.3); short protein forms K78E.
Identifiers: ClinVar variation 645001 (VCV000645001.12), dbSNP rs1580984484, ClinGen allele CA361477548.